The following is an entry in ClinVar:

ClinVar aggregate classification (germline): Uncertain significance (1 of 4 stars; one submission).

Conditions:
Nance-Horan syndrome (NHS). Identifiers: Orphanet 627, MedGen C0796085, MONDO:0010545, OMIM 302350.

Submission:

Labcorp Genetics (formerly Invitae), Labcorp
Classification: Uncertain significance for Nance-Horan syndrome. Last evaluated: 2025-11-13. Review status: criteria provided, single submitter. Criteria: Invitae Variant Classification Sherloc (09022015). Collection method: clinical testing. Allele origin: germline.
Comment: This sequence change replaces threonine, which is neutral and polar, with asparagine, which is neutral and polar, at codon 829 of the NHS protein (p.Thr829Asn). This variant is not present in population databases (gnomAD no frequency). This variant has not been reported in the literature in individuals affected with NHS-related conditions. Invitae Evidence Modeling of protein sequence and biophysical properties (such as structural, functional, and spatial information, amino acid conservation, physicochemical variation, residue mobility, and thermodynamic stability) indicates that this missense variant is not expected to disrupt NHS protein function with a negative predictive value of 80%. In summary, the available evidence is currently insufficient to determine the role of this variant in disease. Therefore, it has been classified as a Variant of Uncertain Significance.

NM_001291867.2(NHS):c.2549C>A (p.Thr850Asn)

Gene: NHS (NHS actin remodeling regulator; plus strand). Cytogenetic location: Xp22.13.
Variant type: single nucleotide variant.
Coding change: c.2549C>A on transcript NM_001291867.2 (MANE Select); coding-DNA position 2549, C replaced by A.
Protein change: p.Thr850Asn; replaces threonine 850 with asparagine.
Molecular consequence: missense variant.
Genome position (GRCh38, 1-based): chrX:17,726,655, C>A. VCF-style: chrX-17726655-C-A. GRCh37 (hg19) VCF-style: chrX-17744775-C-A.
Other names: c.2018C>A, p.Thr673Asn (NM_001136024.4); c.1955C>A, p.Thr652Asn (NM_001291868.2); c.2210C>A, p.Thr737Asn (NM_001440780.1); c.2486C>A, p.Thr829Asn (NM_198270.4); short protein forms T673N, T652N, T737N, T850N, T829N.
Identifiers: ClinVar variation 4744228 (VCV004744228.1).
Genomic context (GRCh38, chrX:17,726,655, plus strand): 5'-TAGACCACAAGAGGCAGGGAAGACCAAGCATCTCTTTCAGGAAACCAAAGGCAAAGCCGA[C>A]CCCACCTAAACGTAGCTCATCATTGAGGAAGTCTGATGGAAACGCAGATATTTCTGAGAA-3'
Protein context (NP_001278796.1, residues 840-860): ISFRKPKAKP[Thr850Asn]PPKRSSSLRK